The following is an entry in ClinVar:

ClinVar aggregate classification (germline): Likely pathogenic (1 of 4 stars; one submission).

Conditions:
UV-sensitive syndrome 3 (UVSS3). Identifiers: Orphanet 178338, MedGen C3553328, MONDO:0013834, OMIM 614640.

gnomAD v4.1: 3 of 1,613,584 alleles (0.00019%); highest among the groups gnomAD compares: East Asian, 0.0067%; no homozygotes.

Submission:

First Genomix Gene Laboratory, Genetic Diagnostics Department
Classification: Likely pathogenic for UV-sensitive syndrome 3. Last evaluated: 2025-08-07. Review status: criteria provided, single submitter. Criteria: ACMG Guidelines, 2015. Collection method: clinical testing. Allele origin: germline. Inheritance: Autosomal recessive inheritance. Affected: no. Observed: 1 variant allele.

NM_020894.4(UVSSA):c.958G>T (p.Glu320Ter)

Gene: UVSSA (UV stimulated scaffold protein A; plus strand). Cytogenetic location: 4p16.3.
Variant type: single nucleotide variant.
Coding change: c.958G>T on transcript NM_020894.4 (MANE Select); coding-DNA position 958, G replaced by T.
Protein change: p.Glu320Ter; replaces glutamic acid 320 with a stop codon.
Molecular consequence: nonsense.
Genome position (GRCh38, 1-based): chr4:1,354,758, G>T. VCF-style: chr4-1354758-G-T. GRCh37 (hg19) VCF-style: chr4-1348546-G-T.
Other names: c.958G>T, p.Glu320Ter (NM_001317934.2, NM_001317935.2); short protein forms E320*.
Identifiers: ClinVar variation 4850599 (VCV004850599.1).